The following is an entry in ClinVar:

NM_003659.4(AGPS):c.1476-194T>C

Gene: AGPS (alkylglycerone phosphate synthase; plus strand). Cytogenetic location: 2q31.2.
Variant type: single nucleotide variant.
Coding change: c.1476-194T>C on transcript NM_003659.4 (MANE Select); 194 bases into the intron before coding-DNA position 1476, T replaced by C.
Molecular consequence: intron variant.
Genome position (GRCh38, 1-based): chr2:177,505,312, T>C. VCF-style: chr2-177505312-T-C. GRCh37 (hg19) VCF-style: chr2-178370040-T-C.
Identifiers: ClinVar variation 683779 (VCV000683779.1), dbSNP rs10497504, ClinGen allele CA11342695.

ClinVar aggregate classification (germline): Benign (1 of 4 stars; one submission).

Allele frequency attached by ClinVar (database versions not stated): gnomAD 0.84131 and 0.84545; TOPMed 0.84380; 1000 Genomes Project 30x 0.88648; 1000 Genomes Project 0.88758.
gnomAD v4.1: 128,508 of 151,904 alleles (85%); highest among the groups gnomAD compares: East Asian, 98%; 54,563 homozygotes.

Submission:

GeneDx
Classification: Benign. Last evaluated: 2018-06-14. Review status: criteria provided, single submitter. Criteria: GeneDx Variant Classification (06012015). Collection method: clinical testing. Allele origin: germline. Affected: yes.
Comment: This variant is considered likely benign or benign based on one or more of the following criteria: it is a conservative change, it occurs at a poorly conserved position in the protein, it is predicted to be benign by multiple in silico algorithms, and/or has population frequency not consistent with disease.